The following is an entry in ClinVar:

NM_000138.5(FBN1):c.4041del (p.Lys1347fs)

Gene: FBN1 (fibrillin 1; minus strand). Cytogenetic location: 15q21.1.
Variant type: Deletion.
Coding change: c.4041del on transcript NM_000138.5 (MANE Select); coding-DNA position 4041, one base deleted (A; older notation c.4041delA).
Protein change: p.Lys1347fs; shifts the reading frame from lysine 1347.
Molecular consequence: frameshift variant.
Genome position (GRCh38, 1-based): chr15:48,474,574, T deleted on the plus strand (A on the coding strand, the reverse complement: FBN1 is on the minus strand); the first of 3 consecutive T bases (chr15:48,474,574-48,474,576); deleting any one gives the same sequence. VCF-style (leftmost placement, unchanged base first): chr15-48474573-AT-A. GRCh37 (hg19) VCF-style: chr15-48766770-AT-A.
Other names: c.4041del, p.Lys1347fs (NM_001406716.1); short protein forms K1347fs.
Identifiers: ClinVar variation 3759292 (VCV003759292.2).
Genomic context (GRCh38, chr15:48,474,573, plus strand): 5'-TACTTTCCTACTCACCAGTGCACTTAATGCCATCTCCAATCCACCCGGGACTGCAGCTAC[AT>A]TTGAAGCTTCCTGCTGTATTGGTACATACAGCATGTTTGCCACAGTTGTGTGCTCCAATT-3'

ClinVar aggregate classification (germline): Pathogenic (1 of 4 stars; one submission).

Conditions:
Marfan syndrome (MFS). Also called: MARFAN SYNDROME, TYPE I; Marfan syndrome type 1; Marfan's syndrome; Marfan syndrome, classic; FBN1-Related Marfan Syndrome. Identifiers: Orphanet 284963, Orphanet 558, MedGen C0024796, MONDO:0007947, OMIM 154700.
Familial thoracic aortic aneurysm and aortic dissection (TAAD). Also called: Thoracic aortic aneurysms and dissections. Identifiers: Orphanet 91387, MedGen C4707243, MONDO:0019625.

Submission:

Labcorp Genetics (formerly Invitae), Labcorp
Classification: Pathogenic for Marfan syndrome; Familial thoracic aortic aneurysm and aortic dissection. Last evaluated: 2025-03-19. Review status: criteria provided, single submitter. Criteria: Invitae Variant Classification Sherloc (09022015). Collection method: clinical testing. Allele origin: germline.
Comment: This sequence change creates a premature translational stop signal (p.Lys1347Asnfs*66) in the FBN1 gene. It is expected to result in an absent or disrupted protein product. Loss-of-function variants in FBN1 are known to be pathogenic (PMID: 17657824, 19293843). This variant is not present in population databases (gnomAD no frequency). This variant has not been reported in the literature in individuals affected with FBN1-related conditions. For these reasons, this variant has been classified as Pathogenic.

Literature cited by the submitters: PubMed 17657824; PubMed 19293843.